The following is an entry in ClinVar:

ClinVar aggregate classification (germline): Uncertain significance (1 of 4 stars; one submission).

Allele frequency attached by ClinVar (database versions not stated): gnomAD 0.00002 and 0.00003; TOPMed 0.00003; ESP Exome Variant Server 0.00008.
gnomAD v4.1: 77 of 1,613,798 alleles (0.0048%); highest among the groups gnomAD compares: Non-Finnish European, 0.0059%; no homozygotes.

Submission:

GeneDx
Classification: Uncertain significance. Last evaluated: 2025-04-24. Review status: criteria provided, single submitter. Criteria: GeneDx Variant Classification Process June 2021. Collection method: clinical testing. Allele origin: germline. Affected: yes.
Comment: Not observed at significant frequency in large population cohorts (gnomAD); In silico analysis supports that this missense variant has a deleterious effect on protein structure/function; Has not been previously published as pathogenic or benign to our knowledge

NM_004826.4(ECEL1):c.1133C>T (p.Ala378Val)

Gene: ECEL1 (endothelin converting enzyme like 1; minus strand). Cytogenetic location: 2q37.1.
Variant type: single nucleotide variant.
Coding change: c.1133C>T on transcript NM_004826.4 (MANE Select); coding-DNA position 1133, C replaced by T.
Protein change: p.Ala378Val; replaces alanine 378 with valine.
Molecular consequence: missense variant.
Genome position (GRCh38, 1-based): chr2:232,484,523, G>A on the plus strand (C>T on the coding strand, the complement: ECEL1 is on the minus strand). VCF-style: chr2-232484523-G-A. GRCh37 (hg19) VCF-style: chr2-233349233-G-A.
Other names: c.1133C>T, p.Ala378Val (NM_001290787.2); short protein forms A378V.
Identifiers: ClinVar variation 452059 (VCV000452059.3), dbSNP rs369255583, ClinGen allele CA2167396.